The following is an entry in ClinVar:

NM_000440.3(PDE6A):c.174C>A (p.Ser58Arg)

Gene: PDE6A (phosphodiesterase 6A; minus strand). Cytogenetic location: 5q32.
Variant type: single nucleotide variant.
Coding change: c.174C>A on transcript NM_000440.3 (MANE Select); coding-DNA position 174, C replaced by A.
Protein change: p.Ser58Arg; replaces serine 58 with arginine.
Molecular consequence: missense variant.
Genome position (GRCh38, 1-based): chr5:149,944,500, G>T on the plus strand (C>A on the coding strand, the complement: PDE6A is on the minus strand). VCF-style: chr5-149944500-G-T. GRCh37 (hg19) VCF-style: chr5-149324063-G-T.
Other names: c.174C>A (NM_000440.2); short protein forms S58R.
Identifiers: ClinVar variation 1007226 (VCV001007226.10), dbSNP rs776749815, ClinGen allele CA3505124.

ClinVar aggregate classification (germline): Uncertain significance. Review status: criteria provided, multiple submitters, no conflicts (2 of 4 stars). 3 submissions from 3 submitters: Uncertain significance (3). Last evaluated 2025-10-15.

Conditions:
Inborn genetic diseases. Identifiers: MedGen C0950123, MeSH D030342.

gnomAD v4.1: 24 of 1,614,070 alleles (0.0015%); highest among the groups gnomAD compares: South Asian, 0.025%; no homozygotes.

Submissions (3):

Ambry Genetics
Classification: Uncertain significance for Inborn genetic diseases. Last evaluated: 2025-10-15. Review status: criteria provided, single submitter. Criteria: Ambry Variant Classification Scheme 2023. Collection method: clinical testing. Allele origin: germline.

Labcorp Genetics (formerly Invitae), Labcorp
Classification: Uncertain significance. Last evaluated: 2025-03-17. Review status: criteria provided, single submitter. Criteria: Invitae Variant Classification Sherloc (09022015). Collection method: clinical testing. Allele origin: germline.
Comment: This sequence change replaces serine, which is neutral and polar, with arginine, which is basic and polar, at codon 58 of the PDE6A protein (p.Ser58Arg). This variant is present in population databases (rs776749815, gnomAD 0.02%). This variant has not been reported in the literature in individuals affected with PDE6A-related conditions. ClinVar contains an entry for this variant (Variation ID: 1007226). Invitae Evidence Modeling of protein sequence and biophysical properties (such as structural, functional, and spatial information, amino acid conservation, physicochemical variation, residue mobility, and thermodynamic stability) indicates that this missense variant is not expected to disrupt PDE6A protein function with a negative predictive value of 95%. In summary, the available evidence is currently insufficient to determine the role of this variant in disease. Therefore, it has been classified as a Variant of Uncertain Significance.

Blueprint Genetics
Classification: Uncertain significance. Last evaluated: 2021-08-26. Review status: criteria provided, single submitter. Criteria: ACMG Guidelines, 2015. Collection method: clinical testing. Allele origin: germline.